The following is an entry in ClinVar:

ClinVar aggregate classification (germline): Benign/Likely benign. Review status: criteria provided, multiple submitters, no conflicts (2 of 4 stars). 10 submissions from 9 submitters: Benign (8); Likely benign (1). 1 of the submissions does not count toward it. Last evaluated 2026-01-18.

Conditions:
Bronchiectasis with or without elevated sweat chloride 2 (BESC2). Identifiers: Orphanet 60033, MedGen C2751666, MONDO:0013087, OMIM 613021.
Pseudohypoaldosteronism, type IB1, autosomal recessive. Also called: Autosomal recessive pseudohypoaldosteronism type 1; PHA I, AUTOSOMAL RECESSIVE; Pseudohypoaldosteronism, Type I, Autosomal Recessive; Pseudohypoaldosteronism, Type I, Recessive. Identifiers: Orphanet 171876, Orphanet 756, MedGen C5774176, MONDO:0009917, OMIM 264350.
Liddle syndrome 3. Identifiers: MedGen C4748292, MONDO:0029132, OMIM 618126.
SCNN1A-related disorder. Also called: SCNN1A-related disorders; SCNN1A-related condition.

Allele frequency attached by ClinVar (database versions not stated): ESP Exome Variant Server 0.00707; gnomAD exomes 0.00736 and 0.01542; gnomAD 0.00986 and 0.01229; TOPMed 0.01178; ExAC 0.01694; 1000 Genomes Project 30x 0.03670; 1000 Genomes Project 0.03814.
gnomAD v4.1: 12,838 of 1,613,896 alleles (0.8%); highest among the groups gnomAD compares: East Asian, 8.9%; 378 homozygotes.

Submissions (10):

Labcorp Genetics (formerly Invitae), Labcorp
Classification: Benign. Last evaluated: 2026-01-18. Review status: criteria provided, single submitter. Criteria: Invitae Variant Classification Sherloc (09022015). Collection method: clinical testing. Allele origin: germline.

Blueprint Genetics
Classification: Likely benign. Last evaluated: 2024-11-27. Review status: criteria provided, single submitter. Criteria: ACMG Guidelines, 2015. Collection method: clinical testing. Allele origin: germline.

Mayo Clinic Laboratories, Mayo Clinic
Classification: Benign. Last evaluated: 2023-04-03. Review status: criteria provided, single submitter. Criteria: ACMG Guidelines, 2015. Collection method: clinical testing. Allele origin: germline. Observed: 1 variant allele.

Fulgent Genetics
Classification: Benign for Pseudohypoaldosteronism, type IB1, autosomal recessive; Bronchiectasis with or without elevated sweat chloride 2; Liddle syndrome 3. Last evaluated: 2021-07-20. Review status: criteria provided, single submitter. Criteria: ACMG Guidelines, 2015. Collection method: clinical testing. Allele origin: unknown.

GeneDx
Classification: Benign. Last evaluated: 2020-03-17. Review status: criteria provided, single submitter. Criteria: GeneDx Variant Classification Process June 2021. Collection method: clinical testing. Allele origin: germline. Affected: yes.

Illumina Laboratory Services, Illumina
Classification: Benign for Pseudohypoaldosteronism, type IB1, autosomal recessive. Last evaluated: 2018-01-12. Review status: criteria provided, single submitter. Criteria: ICSL Variant Classification Criteria 13 December 2019. Collection method: clinical testing. Allele origin: germline.
Comment: This variant was observed in the ICSL laboratory as part of a predisposition screen in an ostensibly healthy population. It had not been previously curated by ICSL or reported in the Human Gene Mutation Database (HGMD: prior to June 1st, 2018), and was therefore a candidate for classification through an automated scoring system. Utilizing variant allele frequency, disease prevalence and penetrance estimates, and inheritance mode, an automated score was calculated to assess if this variant is too frequent to cause the disease. Based on the score and internal cut-off values, a variant classified as benign is not then subjected to further curation. The score for this variant resulted in a classification of benign for this disease.

Illumina Laboratory Services, Illumina
Classification: Benign for Bronchiectasis with or without elevated sweat chloride 2. Last evaluated: 2018-01-12. Review status: criteria provided, single submitter. Criteria: ICSL Variant Classification Criteria 13 December 2019. Collection method: clinical testing. Allele origin: germline.
Comment: the same text as in the submission from Illumina Laboratory Services, Illumina above.

Laboratory for Molecular Medicine, Mass General Brigham Personalized Medicine
Classification: Benign. Last evaluated: 2013-02-21. Review status: criteria provided, single submitter. Criteria: LMM Criteria. Collection method: clinical testing. Allele origin: germline. Observed: 1 variant allele.
Comment: Pro92Pro in exon 1 of SCNN1A: This variant is not expected to have clinical sign ificance because it does not alter an amino acid residue and is not located with in the splice consensus sequence. It has been identified in 2.0% (87/4406) of Af rican American chromosomes from a broad population by the NHLBI Exome Sequencing Project (dbSNP rs13306619).

Breakthrough Genomics
Classification: Benign. Review status: criteria provided, single submitter. Criteria: ACMG Guidelines, 2015. Collection method: not provided. Allele origin: germline. Inheritance: Autosomal recessive inheritance. Affected: yes.

PreventionGenetics, part of Exact Sciences
Classification: Benign for SCNN1A-related condition. Last evaluated: 2019-05-22. Review status: no assertion criteria provided. Collection method: clinical testing. Allele origin: germline. Not counted in ClinVar's aggregate classification.
Comment: This variant is classified as benign based on ACMG/AMP sequence variant interpretation guidelines (Richards et al. 2015 PMID: 25741868, with internal and published modifications).

NM_001038.6(SCNN1A):c.99C>T (p.Pro33=)

Gene: SCNN1A (sodium channel epithelial 1 subunit alpha; minus strand). Cytogenetic location: 12p13.31.
Variant type: single nucleotide variant.
Coding change: c.99C>T on transcript NM_001038.6 (MANE Select); coding-DNA position 99, C replaced by T.
Protein change: p.Pro33=; no amino-acid change (proline 33 retained).
Molecular consequence: synonymous variant.
Genome position (GRCh38, 1-based): chr12:6,374,685, G>A on the plus strand (C>T on the coding strand, the complement: SCNN1A is on the minus strand). VCF-style: chr12-6374685-G-A. GRCh37 (hg19) VCF-style: chr12-6483851-G-A.
Other names: p.Pro33=; c.168C>T, p.Pro56= (NM_001159575.2); c.276C>T, p.Pro92= (NM_001159576.2).
Identifiers: ClinVar variation 310153 (VCV000310153.20), dbSNP rs13306619, ClinGen allele CA6406311.